The following is an entry in ClinVar:

ClinVar aggregate classification (germline): Uncertain significance (1 of 4 stars; one submission).

Conditions:
ASCL1-related disorder. Also called: ASCL1-related condition.

Submission:

PreventionGenetics, part of Exact Sciences
Classification: Uncertain significance for ASCL1-related condition. Last evaluated: 2024-10-31. Review status: criteria provided, single submitter. Criteria: ACMG Guidelines, 2015. Collection method: clinical testing. Allele origin: germline.
Comment: The ASCL1 c.53_64dup12 variant is predicted to result in an in-frame duplication (p.Pro18_Gln21dup). To our knowledge, this variant has not been reported in the literature. This variant is reported in 0.061% of alleles in individuals of African descent in gnomAD. Although we suspect that this variant may be benign, at this time, the clinical significance of this variant is uncertain due to the absence of conclusive functional and genetic evidence.

NM_004316.4(ASCL1):c.53_64dup (p.Gln21_Gln22insProGlnProGln)

Genes: ASCL1 (achaete-scute family bHLH transcription factor 1; plus strand), PAH (phenylalanine hydroxylase; minus strand). Cytogenetic location: 12q23.2.
Variant type: Duplication.
Coding change: c.53_64dup on transcript NM_004316.4 (MANE Select); coding-DNA positions 53 to 64, 12 bases duplicated (CGCAGCCCCAGC).
Protein change: p.Gln21_Gln22insProGlnProGln.
Molecular consequence: inframe insertion. On other transcripts: 5 prime UTR variant (1).
Genome position (GRCh38, 1-based): chr12:102,958,297-102,958,308, CGCAGCCCCAGC duplicated; duplicating any 12 consecutive bases within chr12:102,958,286-102,958,308 gives the same sequence; the c. name uses the placement nearest the transcript's 3' end. VCF-style (leftmost placement, unchanged base first): chr12-102958285-A-AGCAGCCCCAGCC. GRCh37 (hg19) VCF-style: chr12-103352063-A-AGCAGCCCCAGCC.
Other names: c.-198_-187dup (NM_001354304.2).
Identifiers: ClinVar variation 4977604 (VCV004977604.1).